The following is an entry in ClinVar:

NM_000503.6(EYA1):c.289A>G (p.Ile97Val)

Gene: EYA1 (EYA transcriptional coactivator and phosphatase 1; minus strand). Cytogenetic location: 8q13.3.
Variant type: single nucleotide variant.
Coding change: c.289A>G on transcript NM_000503.6 (MANE Select); coding-DNA position 289, A replaced by G.
Protein change: p.Ile97Val; replaces isoleucine 97 with valine.
Molecular consequence: missense variant. On other transcripts: intron variant (1).
Genome position (GRCh38, 1-based): chr8:71,321,863, T>C on the plus strand (A>G on the coding strand, the complement: EYA1 is on the minus strand). VCF-style: chr8-71321863-T-C. GRCh37 (hg19) VCF-style: chr8-72234098-T-C.
Other names: c.286A>G, p.Ile96Val (NM_001288574.2); c.376A>G, p.Ile126Val (NM_001370333.1, NM_172059.5); c.289A>G, p.Ile97Val (NM_001370334.1, NM_001370335.1, NM_172058.4); c.373A>G, p.Ile125Val (NM_001370336.1); c.-12-51A>G (NM_001288575.2); short protein forms I96V, I126V, I97V, I125V.
Identifiers: ClinVar variation 1400600 (VCV001400600.7), dbSNP rs1422583050, ClinGen allele CA371468688.
Genomic context (GRCh38, chr8:71,321,863, plus strand): 5'-CTGTGGTAAACTGTGTTTGCCCATATGCAGCCATAGTTTGTGAGGAAGGGGTAGGGAGAA[T>C]ATGTGGGTATGGTCTGCTATTTGTCAGAAATGACAGAAAATAGAAAGCCCATGCATTAGA-3'
Protein context (NP_000494.2, residues 87-107): IYPSNRPYPH[Ile97Val]LPTPSSQTMA

ClinVar aggregate classification (germline): Uncertain significance. Review status: criteria provided, multiple submitters, no conflicts (2 of 4 stars). 2 submissions from 2 submitters: Uncertain significance (2). Last evaluated 2022-05-15.

Conditions:
Melnick-Fraser syndrome (BOR). Also called: Branchiootorenal Syndrome (BORS); Branchiootorenal syndrome; Branchio-oto-renal syndrome. Identifiers: Orphanet 107, MedGen C0265234, MONDO:0007029.
Branchiootorenal syndrome 1. Also called: Branchio-Oto-Renal Syndrome 1. Identifiers: Orphanet 107, MedGen C4551702, MONDO:0007236, OMIM 113650.
Branchiootic syndrome 1 (BOS1). Also called: BO SYNDROME 1; BRANCHIOOTIC DYSPLASIA. Identifiers: MedGen C1865143, MONDO:0011258, OMIM 602588.
Otofaciocervical syndrome 1 (OTFCS). Identifiers: MedGen C3714941, MONDO:0024532, OMIM 166780.

Allele frequency attached by ClinVar (database versions not stated): gnomAD exomes 0.00001; TOPMed 0.00002.
gnomAD v4.1: 3 of 1,614,200 alleles (0.00019%); highest among the groups gnomAD compares: Admixed American, 0.005%; no homozygotes.

Submissions (2):

Fulgent Genetics
Classification: Uncertain significance for Branchiootorenal syndrome 1; Otofaciocervical syndrome 1; Branchiootic syndrome 1. Last evaluated: 2022-05-15. Review status: criteria provided, single submitter. Criteria: ACMG Guidelines, 2015. Collection method: clinical testing. Allele origin: unknown.

Labcorp Genetics (formerly Invitae), Labcorp
Classification: Uncertain significance for Melnick-Fraser syndrome. Last evaluated: 2021-11-13. Review status: criteria provided, single submitter. Criteria: Invitae Variant Classification Sherloc (09022015). Collection method: clinical testing. Allele origin: germline.
Comment: In summary, the available evidence is currently insufficient to determine the role of this variant in disease. Therefore, it has been classified as a Variant of Uncertain Significance. Algorithms developed to predict the effect of missense changes on protein structure and function are either unavailable or do not agree on the potential impact of this missense change (SIFT: "Tolerated"; PolyPhen-2: "Possibly Damaging"; Align-GVGD: "Class C0"). This variant has not been reported in the literature in individuals affected with EYA1-related conditions. This variant is present in population databases (no rsID available, gnomAD 0.009%). This sequence change replaces isoleucine, which is neutral and non-polar, with valine, which is neutral and non-polar, at codon 97 of the EYA1 protein (p.Ile97Val).